The following is an entry in ClinVar:

ClinVar aggregate classification (germline): Uncertain significance (1 of 4 stars; one submission).

Conditions:
DOCK2 deficiency. Also called: Immunodeficiency 40. Identifiers: Orphanet 447737, MedGen C4225328, MONDO:0014637, OMIM 616433.

Submission:

Labcorp Genetics (formerly Invitae), Labcorp
Classification: Uncertain significance for DOCK2 deficiency. Last evaluated: 2020-05-03. Review status: criteria provided, single submitter. Criteria: Invitae Variant Classification Sherloc (09022015). Collection method: clinical testing. Allele origin: germline.
Comment: This variant is not present in population databases (ExAC no frequency). This sequence change replaces valine with leucine at codon 353 of the DOCK2 protein (p.Val353Leu). The valine residue is moderately conserved and there is a small physicochemical difference between valine and leucine. This variant has not been reported in the literature in individuals with DOCK2-related conditions. In summary, the available evidence is currently insufficient to determine the role of this variant in disease. Therefore, it has been classified as a Variant of Uncertain Significance. Algorithms developed to predict the effect of missense changes on protein structure and function (SIFT, PolyPhen-2, Align-GVGD) all suggest that this variant is likely to be tolerated, but these predictions have not been confirmed by published functional studies and their clinical significance is uncertain.

NM_004946.3(DOCK2):c.1057G>C (p.Val353Leu)

Gene: DOCK2 (dedicator of cytokinesis 2; plus strand). Cytogenetic location: 5q35.1.
Variant type: single nucleotide variant.
Coding change: c.1057G>C on transcript NM_004946.3 (MANE Select); coding-DNA position 1057, G replaced by C.
Protein change: p.Val353Leu; replaces valine 353 with leucine.
Molecular consequence: missense variant. On other transcripts: non-coding transcript variant (1).
Genome position (GRCh38, 1-based): chr5:169,699,383, G>C. VCF-style: chr5-169699383-G-C. GRCh37 (hg19) VCF-style: chr5-169126387-G-C.
Other names: c.1057G>C, p.Val353Leu (LRG_1227t1); short protein forms V353L.
Identifiers: ClinVar variation 656193 (VCV000656193.8), dbSNP rs1581055881, ClinGen allele CA362105459.
Genomic context (GRCh38, chr5:169,699,383, plus strand): 5'-CCCCTTGAAACGCAAGGAGGACACGATGTGGACATTTCATGCTCTCTTTTCCTTTCCAGG[G>C]TTACAGCTGAGAATGACTTCCTACACAGCCTGCTGGGCAAAGTCATAGCCTCCAAGGGGG-3'
Protein context (NP_004937.1, residues 343-363): EKQHFIPFHP[Val353Leu]TAENDFLHSL